The following is an entry in ClinVar:

NM_002047.4(GARS1):c.250G>A (p.Asp84Asn)

Gene: GARS1 (glycyl-tRNA synthetase 1; plus strand). Cytogenetic location: 7p14.3.
Variant type: single nucleotide variant.
Coding change: c.250G>A on transcript NM_002047.4 (MANE Select); coding-DNA position 250, G replaced by A.
Protein change: p.Asp84Asn; replaces aspartic acid 84 with asparagine.
Molecular consequence: missense variant.
Genome position (GRCh38, 1-based): chr7:30,598,823, G>A. VCF-style: chr7-30598823-G-A. GRCh37 (hg19) VCF-style: chr7-30638439-G-A.
Other names: c.88G>A, p.Asp30Asn (NM_001316772.1); short protein forms D30N, D84N.
Identifiers: ClinVar variation 1680886 (VCV001680886.8), dbSNP rs2128132417, ClinGen allele CA367138904.

ClinVar aggregate classification (germline): Uncertain significance (1 of 4 stars; one submission).

Conditions:
Charcot-Marie-Tooth disease type 2. Also called: Charcot-Marie-Tooth type 2. Identifiers: Orphanet 64746, MedGen C0270914, MONDO:0018993.

Allele frequency attached by ClinVar (database versions not stated): gnomAD exomes below 0.00001.
gnomAD v4.1: 3 of 1,614,142 alleles (0.00019%); highest among the groups gnomAD compares: Non-Finnish European, 0.00025%; no homozygotes.

Submission:

Labcorp Genetics (formerly Invitae), Labcorp
Classification: Uncertain significance for Charcot-Marie-Tooth disease type 2. Last evaluated: 2020-11-24. Review status: criteria provided, single submitter. Criteria: Invitae Variant Classification Sherloc (09022015). Collection method: clinical testing. Allele origin: germline.
Comment: In summary, the available evidence is currently insufficient to determine the role of this variant in disease. Therefore, it has been classified as a Variant of Uncertain Significance. Algorithms developed to predict the effect of missense changes on protein structure and function (SIFT, PolyPhen-2, Align-GVGD) all suggest that this variant is likely to be tolerated, but these predictions have not been confirmed by published functional studies and their clinical significance is uncertain. This variant has not been reported in the literature in individuals with GARS-related conditions. This variant is not present in population databases (ExAC no frequency). This sequence change replaces aspartic acid with asparagine at codon 84 of the GARS protein (p.Asp84Asn). The aspartic acid residue is weakly conserved and there is a small physicochemical difference between aspartic acid and asparagine.